The following is an entry in ClinVar:

NM_001943.5(DSG2):c.4G>A (p.Ala2Thr)

Genes: DSG2 (desmoglein 2; plus strand), LOC130062340 (ATAC-STARR-seq lymphoblastoid silent region 9384; plus strand). Cytogenetic location: 18q12.1.
Variant type: single nucleotide variant.
Coding change: c.4G>A on transcript NM_001943.5 (MANE Select); coding-DNA position 4, G replaced by A.
Protein change: p.Ala2Thr; replaces alanine 2 with threonine.
Molecular consequence: missense variant.
Genome position (GRCh38, 1-based): chr18:31,498,255, G>A. VCF-style: chr18-31498255-G-A. GRCh37 (hg19) VCF-style: chr18-29078218-G-A.
Other names: short protein forms A2T.
Identifiers: ClinVar variation 3386564 (VCV003386564.1).

ClinVar aggregate classification (germline): Uncertain significance (1 of 4 stars; one submission).

Conditions:
Arrhythmogenic right ventricular cardiomyopathy (ARVD). Also called: Arrhythmogenic right ventricular dysplasia; Cardiomyopathy, ARVC; Arrhythmogenic cardiomyopathy; Arrhythmogenic Right Ventricular Cardiomyopathy (ARVC). Identifiers: Orphanet 247, MedGen C0349788, MeSH D019571, MONDO:0016587. Disease mechanism: loss of function. Inheritance: Various modes of inheritance.

Submission:

All of Us Research Program, National Institutes of Health
Classification: Uncertain significance for Arrhythmogenic right ventricular cardiomyopathy. Last evaluated: 2024-08-13. Review status: criteria provided, single submitter. Criteria: ACMG Guidelines, 2015. Collection method: clinical testing. Allele origin: germline. Inheritance: Autosomal dominant inheritance. Observed: 1 variant allele, 1 heterozygote.
Comment: This missense variant replaces alanine with threonine at codon 2 of the DSG2 protein. Computational prediction suggests that this variant may not impact protein structure and function (internally defined REVEL score threshold <= 0.5, PMID: 27666373). To our knowledge, functional studies have not been reported for this variant. This variant has not been reported in individuals affected with DSG2-related disorders in the literature. This variant has not been identified in the general population by the Genome Aggregation Database (gnomAD). The available evidence is insufficient to determine the role of this variant in disease conclusively. Therefore, this variant is classified as a Variant of Uncertain Significance.

This study involves interpretation of variants in research participants for the purpose of population health screening. Participant phenotype was not available at the time of variant classification. Additional details can be found in publication PMID: 35346344, PMCID: PMC8962531